The following is an entry in ClinVar:

ClinVar aggregate classification (germline): Conflicting classifications of pathogenicity. Review status: criteria provided, conflicting classifications (1 of 4 stars). 13 submissions from 8 submitters: Uncertain significance (3); Benign (5); Likely benign (3). 2 of the submissions do not count toward it. Last evaluated 2026-05-22.

Conditions:
TRPV4-related disorder. Also called: TRPV4-related disorders; TRPV4-related condition.
Inborn genetic diseases. Identifiers: MedGen C0950123, MeSH D030342.
Scapuloperoneal spinal muscular atrophy (SPSMA). Also called: Scapuloperoneal spinal muscular atrophy, autosomal dominant; Scapuloperoneal Form of Spinal Muscular Atrophy; Scapuloperoneal Spinal Muscular Atrophy, TRPV4-Related; AMYOTROPHY, NEUROGENIC SCAPULOPERONEAL, NEW ENGLAND TYPE. Identifiers: Orphanet 431255, MedGen C0751335, MONDO:0008408, OMIM 181405.
Neuronopathy, distal hereditary motor, autosomal dominant 8. Also called: SPINAL MUSCULAR ATROPHY, CONGENITAL BENIGN, WITH CONTRACTURES; Autosomal dominant congenital benign spinal muscular atrophy; NEURONOPATHY, DISTAL HEREDITARY MOTOR, TYPE VIII; NEUROPATHY, DISTAL HEREDITARY MOTOR, TYPE VIII. Identifiers: Orphanet 1216, MedGen C1838492, MONDO:0010839, OMIM 600175.
Metatropic dysplasia (MTD). Also called: METATROPIC DWARFISM; Metatropic dysplasia, nonlethal dominant; Metatropic Dysplasia, TRPV4-Related. Identifiers: Orphanet 2635, MedGen C0265281, MONDO:0007986, OMIM 156530.
Brachyrachia (short spine dysplasia) (BCYM3). Also called: BRACHYRACHIA; Autosomal dominant brachyolmia; Brachyolmia Type 3; Brachyolmia, TRPV4-Related. Identifiers: Orphanet 93304, MedGen C0432227, MONDO:0007232, OMIM 113500.
Charcot-Marie-Tooth disease axonal type 2C (HMSN2C). Also called: CHARCOT-MARIE-TOOTH DISEASE, AXONAL, AUTOSOMAL DOMINANT, TYPE 2C; Charcot-Marie-Tooth Neuropathy Type 2C; Charcot-Marie-Tooth Disease Type 2, TRPV4-Related (CMT2C). Identifiers: Orphanet 99937, MedGen C1853710, MONDO:0011633, OMIM 606071.
Spondylometaphyseal dysplasia, Kozlowski type (SMDK). Also called: Dysmorphism arthrogryposis skeletal maturation advanced; Jequier-Kozlowski syndrome; Skeletal dysplasia Jequier-Kozlowski type; SMD Kozlowski type; Spondylometaphyseal Dysplasia, TRPV4-Related (Kozlowski Type). Identifiers: Orphanet 93314, MedGen C0265280, MONDO:0008477, OMIM 184252.

Allele frequency attached by ClinVar (database versions not stated): gnomAD 0.00005 and 0.00006; ExAC 0.00010; TOPMed 0.00011; gnomAD exomes 0.00012 and 0.00013.
gnomAD v4.1: 202 of 1,612,058 alleles (0.013%); highest among the groups gnomAD compares: South Asian, 0.02%; no homozygotes.

Submissions (13):

PreventionGenetics, part of Exact Sciences
Classification: Uncertain significance for TRPV4-related condition. Last evaluated: 2026-05-22. Review status: criteria provided, single submitter. Criteria: ACMG Guidelines, 2015. Collection method: clinical testing. Allele origin: germline.
Comment: The TRPV4 c.1139C>T variant is predicted to result in the amino acid substitution p.Thr380Met. This variant has been reported in a cohort of individuals undergoing testing for peripheral neuropathy, but was classified as uncertain (Table S3, Antoniadi et al. 2015. PubMed ID: 26392352). This variant is reported in 0.033% of alleles in individuals of South Asian descent in gnomAD. Although we suspect that this variant may be benign, at this time, the clinical significance of this variant is uncertain due to the absence of conclusive functional and genetic evidence.

Labcorp Genetics (formerly Invitae), Labcorp
Classification: Uncertain significance for Charcot-Marie-Tooth disease axonal type 2C. Last evaluated: 2026-01-05. Review status: criteria provided, single submitter. Criteria: Invitae Variant Classification Sherloc (09022015). Collection method: clinical testing. Allele origin: germline.
Comment: This sequence change replaces threonine, which is neutral and polar, with methionine, which is neutral and non-polar, at codon 380 of the TRPV4 protein (p.Thr380Met). This variant is present in population databases (rs764949536, gnomAD 0.03%). This missense change has been observed in individual(s) with clinically suspected inherited peripheral neuropathy (PMID: 26392352). ClinVar contains an entry for this variant (Variation ID: 245915). Invitae Evidence Modeling of protein sequence and biophysical properties (such as structural, functional, and spatial information, amino acid conservation, physicochemical variation, residue mobility, and thermodynamic stability) indicates that this missense variant is not expected to disrupt TRPV4 protein function with a negative predictive value of 95%. In summary, the available evidence is currently insufficient to determine the role of this variant in disease. Therefore, it has been classified as a Variant of Uncertain Significance.

Revvity Omics, Revvity
Classification: Uncertain significance. Last evaluated: 2021-02-25. Review status: criteria provided, single submitter. Criteria: ACMG Guidelines, 2015. Collection method: clinical testing. Allele origin: germline.

Ambry Genetics
Classification: Likely benign for Inborn genetic diseases. Last evaluated: 2020-03-23. Review status: criteria provided, single submitter. Criteria: Ambry Variant Classification Scheme 2023. Collection method: clinical testing. Allele origin: germline.

GeneDx
Classification: Likely benign. Last evaluated: 2019-03-25. Review status: criteria provided, single submitter. Criteria: GeneDx Variant Classification Process June 2021. Collection method: clinical testing. Allele origin: germline. Affected: yes.
Comment: This variant is associated with the following publications: (PMID: 26392352)

Illumina Laboratory Services, Illumina
Classification: Benign for Metatropic dysplasia. Last evaluated: 2018-01-12. Review status: criteria provided, single submitter. Criteria: ICSL Variant Classification Criteria 13 December 2019. Collection method: clinical testing. Allele origin: germline.
Comment: This variant was observed in the ICSL laboratory as part of a predisposition screen in an ostensibly healthy population. It had not been previously curated by ICSL or reported in the Human Gene Mutation Database (HGMD: prior to June 1st, 2018), and was therefore a candidate for classification through an automated scoring system. Utilizing variant allele frequency, disease prevalence and penetrance estimates, and inheritance mode, an automated score was calculated to assess if this variant is too frequent to cause the disease. Based on the score and internal cut-off values, a variant classified as benign is not then subjected to further curation. The score for this variant resulted in a classification of benign for this disease.

Illumina Laboratory Services, Illumina
Classification: Benign for Scapuloperoneal spinal muscular atrophy. Last evaluated: 2018-01-12. Review status: criteria provided, single submitter. Criteria: ICSL Variant Classification Criteria 13 December 2019. Collection method: clinical testing. Allele origin: germline.
Comment: the same text as in the submission from Illumina Laboratory Services, Illumina above.

Illumina Laboratory Services, Illumina
Classification: Likely benign for Charcot-Marie-Tooth disease axonal type 2C. Last evaluated: 2018-01-12. Review status: criteria provided, single submitter. Criteria: ICSL Variant Classification Criteria 13 December 2019. Collection method: clinical testing. Allele origin: germline.
Comment: This variant was observed in the ICSL laboratory as part of a predisposition screen in an ostensibly healthy population. It had not been previously curated by ICSL or reported in the Human Gene Mutation Database (HGMD: prior to June 1st, 2018), and was therefore a candidate for classification through an automated scoring system. Utilizing variant allele frequency, disease prevalence and penetrance estimates, and inheritance mode, an automated score was calculated to assess if this variant is too frequent to cause the disease. Based on the score and internal cut-off values, a variant classified as likely benign is not then subjected to further curation. The score for this variant resulted in a classification of likely benign for this disease.

Illumina Laboratory Services, Illumina
Classification: Benign for Brachyrachia (short spine dysplasia). Last evaluated: 2018-01-12. Review status: criteria provided, single submitter. Criteria: ICSL Variant Classification Criteria 13 December 2019. Collection method: clinical testing. Allele origin: germline.
Comment: the same text as in the submission from Illumina Laboratory Services, Illumina above.

Illumina Laboratory Services, Illumina
Classification: Benign for Neuronopathy, distal hereditary motor, autosomal dominant 8. Last evaluated: 2018-01-12. Review status: criteria provided, single submitter. Criteria: ICSL Variant Classification Criteria 13 December 2019. Collection method: clinical testing. Allele origin: germline.
Comment: the same text as in the submission from Illumina Laboratory Services, Illumina above.

Illumina Laboratory Services, Illumina
Classification: Benign for Spondylometaphyseal dysplasia, Kozlowski type. Last evaluated: 2018-01-12. Review status: criteria provided, single submitter. Criteria: ICSL Variant Classification Criteria 13 December 2019. Collection method: clinical testing. Allele origin: germline.
Comment: the same text as in the submission from Illumina Laboratory Services, Illumina above.

Clinical Genetics DNA and cytogenetics Diagnostics Lab, Erasmus MC, Erasmus Medical Center
Classification: Uncertain significance. Review status: no assertion criteria provided. Collection method: clinical testing. Allele origin: germline. Affected: yes. Study: VKGL Data-share Consensus. Not counted in ClinVar's aggregate classification.

Genome Diagnostics Laboratory, Amsterdam University Medical Center
Classification: Uncertain significance. Review status: no assertion criteria provided. Collection method: clinical testing. Allele origin: germline. Affected: yes. Study: VKGL Data-share Consensus. Not counted in ClinVar's aggregate classification.

Literature cited by the submitters: PubMed 26392352 (cited by Labcorp Genetics (formerly Invitae), Labcorp).

NM_021625.5(TRPV4):c.1139C>T (p.Thr380Met)

Gene: TRPV4 (transient receptor potential cation channel subfamily V member 4; minus strand). Cytogenetic location: 12q24.11.
Variant type: single nucleotide variant.
Coding change: c.1139C>T on transcript NM_021625.5 (MANE Select); coding-DNA position 1139, C replaced by T.
Protein change: p.Thr380Met; replaces threonine 380 with methionine.
Molecular consequence: missense variant.
Genome position (GRCh38, 1-based): chr12:109,798,627, G>A on the plus strand (C>T on the coding strand, the complement: TRPV4 is on the minus strand). VCF-style: chr12-109798627-G-A. GRCh37 (hg19) VCF-style: chr12-110236432-G-A.
Other names: c.998C>T, p.Thr333Met (NM_001177428.2, NM_001177433.2); c.1037C>T, p.Thr346Met (NM_001177431.2); c.1139C>T, p.Thr380Met (NM_147204.3); short protein forms T380M, T346M, T333M.
Identifiers: ClinVar variation 245915 (VCV000245915.21), dbSNP rs764949536, ClinGen allele CA6780342.